The following is an entry in ClinVar:

NM_006231.4(POLE):c.3736A>T (p.Thr1246Ser)

Gene: POLE (DNA polymerase epsilon, catalytic subunit; minus strand). Cytogenetic location: 12q24.33.
Variant type: single nucleotide variant.
Coding change: c.3736A>T on transcript NM_006231.4 (MANE Select); coding-DNA position 3736, A replaced by T.
Protein change: p.Thr1246Ser; replaces threonine 1246 with serine.
Molecular consequence: missense variant.
Genome position (GRCh38, 1-based): chr12:132,649,736, T>A on the plus strand (A>T on the coding strand, the complement: POLE is on the minus strand). VCF-style: chr12-132649736-T-A. GRCh37 (hg19) VCF-style: chr12-133226322-T-A.
Other names: short protein forms T1246S.
Identifiers: ClinVar variation 1346546 (VCV001346546.8), dbSNP rs2138613290, ClinGen allele CA387386249.

ClinVar aggregate classification (germline): Uncertain significance (1 of 4 stars; one submission).

Submission:

Labcorp Genetics (formerly Invitae), Labcorp
Classification: Uncertain significance. Last evaluated: 2024-05-05. Review status: criteria provided, single submitter. Criteria: Invitae Variant Classification Sherloc (09022015). Collection method: clinical testing. Allele origin: germline.
Comment: This sequence change replaces threonine, which is neutral and polar, with serine, which is neutral and polar, at codon 1246 of the POLE protein (p.Thr1246Ser). This variant is not present in population databases (gnomAD no frequency). This variant has not been reported in the literature in individuals affected with POLE-related conditions. ClinVar contains an entry for this variant (Variation ID: 1346546). Advanced modeling of protein sequence and biophysical properties (such as structural, functional, and spatial information, amino acid conservation, physicochemical variation, residue mobility, and thermodynamic stability) performed at Invitae indicates that this missense variant is not expected to disrupt POLE protein function with a negative predictive value of 80%. In summary, the available evidence is currently insufficient to determine the role of this variant in disease. Therefore, it has been classified as a Variant of Uncertain Significance.